The following is an entry in ClinVar:

ClinVar aggregate classification (germline): Pathogenic. Review status: reviewed by expert panel (3 of 4 stars). 2 submissions from 2 submitters: Pathogenic (1). 1 of the submissions does not count toward it. Last evaluated 2017-12-15.

Conditions:
Breast-ovarian cancer, familial, susceptibility to, 1 (BROVCA1). Also called: BRCA1 Hereditary Breast and Ovarian Cancer; OVARIAN CANCER, SUSCEPTIBILITY TO. Identifiers: Orphanet 145, MedGen C2676676, MONDO:0011450, OMIM 604370. Disease mechanism: loss of function.

Submissions (2):

Evidence-based Network for the Interpretation of Germline Mutant Alleles (ENIGMA)
Classification: Pathogenic for Breast-ovarian cancer, familial, susceptibility to, 1. Last evaluated: 2017-12-15. Review status: reviewed by expert panel. Criteria: ENIGMA BRCA1/2 Classification Criteria (2017-06-29). Collection method: curation. Allele origin: germline. Study: ENIGMA.
Comment: Variant allele predicted to encode a truncated non-functional protein.

GeneKor MSA
Classification: Pathogenic. Last evaluated: 2020-01-01. Review status: criteria provided, single submitter. Criteria: ACMG Guidelines, 2015. Collection method: clinical testing. Allele origin: germline. Not counted in ClinVar's aggregate classification.
Comment: This sequence change deletes five bases from exon 11 of the BRCA1 mRNA (c.1622_1626delAGAAT), causing a frameshift after codon 541 and the creation of a premature translation stop signal 8 amino acid residues later, [p.(Gln541Argfs)]. This is expected to result in an absent or disrupted protein product. Truncating variants in the BRCA1 gene are known to be pathogenic. The mutation database Clinvar contains entries for this variant (Variation ID:252430).

NM_007294.4(BRCA1):c.1622_1626del (p.Gln541fs)

Gene: BRCA1 (BRCA1 DNA repair associated; minus strand). Cytogenetic location: 17q21.31.
Variant type: Deletion.
Coding change: c.1622_1626del on transcript NM_007294.4 (MANE Select); coding-DNA positions 1622 to 1626, 5 bases deleted (AGAAT; older notation c.1622_1626delAGAAT).
Protein change: p.Gln541fs; shifts the reading frame from glutamine 541.
Molecular consequence: frameshift variant. On other transcripts: intron variant (137).
Genome position (GRCh38, 1-based): chr17:43,093,905-43,093,909, ATTCT deleted on the plus strand (AGAAT on the coding strand, the reverse complement: BRCA1 is on the minus strand). VCF-style (leftmost placement, unchanged base first): chr17-43093904-CATTCT-C. GRCh37 (hg19) VCF-style: chr17-41245921-CATTCT-C.
Other names: c.1358_1362del, p.Gln453fs (NM_001407929.1, NM_001407924.1, NM_001407925.1 and 9 more transcripts); c.1355_1359del, p.Gln452fs (NM_001407930.1, NM_001407931.1, NM_001407932.1 and 2 more transcripts); c.1481_1485del, p.Gln494fs (NM_001407942.1, NM_001407944.1, NM_001407945.1 and 29 more transcripts); c.1478_1482del, p.Gln493fs (NM_001407943.1, NM_001407964.1, NM_001407740.1 and 20 more transcripts); c.1289_1293del, p.Gln430fs (NM_001407946.1, NM_001407947.1, NM_001407948.1 and 6 more transcripts); c.1241_1245del, p.Gln414fs (NM_001407960.1, NM_001407963.1, NM_001407959.1); c.1238_1242del, p.Gln413fs (NM_001407962.1); c.1118_1122del, p.Gln373fs (NM_001407965.1); and 40 more; short protein forms Q494fs, Q541fs, Q245fs, Q413fs, Q429fs, Q499fs, Q500fs, Q414fs.
Identifiers: ClinVar variation 252430 (VCV000252430.3), dbSNP rs879255314, ClinGen allele CA10585941.
Genomic context (GRCh38, chr17:43,093,904, plus strand): 5'-GAATAGAATCACCTTTTGTTTTATTCTCATGACCACTATTAGTAATATTCATCACTTGAC[CATTCT>C]GCTCCGTTTGGTTAGTTCCCTGATTTATCATTTCAGGAGTCTTTTGAACTGCCAAATCTG-3'